The following is an entry in ClinVar:

ClinVar aggregate classification (germline): Uncertain significance. Review status: criteria provided, multiple submitters, no conflicts (2 of 4 stars). 2 submissions from 2 submitters: Uncertain significance (2). Last evaluated 2024-10-03.

Conditions:
Inborn genetic diseases. Identifiers: MedGen C0950123, MeSH D030342.
Cataract 33. Also called: CATARACT 33, CORTICAL. Identifiers: Orphanet 91492, MedGen C3808107, MONDO:0012665, OMIM 611391.

Allele frequency attached by ClinVar (database versions not stated): ExAC 0.00001; gnomAD exomes 0.00001 and 0.00003; gnomAD 0.00002; TOPMed 0.00009.

Submissions (2):

Ambry Genetics
Classification: Uncertain significance for Inborn genetic diseases. Last evaluated: 2024-10-03. Review status: criteria provided, single submitter. Criteria: Ambry Variant Classification Scheme 2023. Collection method: clinical testing. Allele origin: germline.

Labcorp Genetics (formerly Invitae), Labcorp
Classification: Uncertain significance for Cataract 33. Last evaluated: 2020-05-20. Review status: criteria provided, single submitter. Criteria: Invitae Variant Classification Sherloc (09022015). Collection method: clinical testing. Allele origin: germline.
Comment: This variant has not been reported in the literature in individuals with BFSP1-related conditions. In summary, the available evidence is currently insufficient to determine the role of this variant in disease. Therefore, it has been classified as a Variant of Uncertain Significance. Algorithms developed to predict the effect of missense changes on protein structure and function output the following: SIFT: "Tolerated"; PolyPhen-2: "Benign"; Align-GVGD: "Class C0". The alanine amino acid residue is found in multiple mammalian species, suggesting that this missense change does not adversely affect protein function. These predictions have not been confirmed by published functional studies and their clinical significance is uncertain. This variant is present in population databases (rs756439203, ExAC 0.001%). This sequence change replaces threonine with alanine at codon 490 of the BFSP1 protein (p.Thr490Ala). The threonine residue is weakly conserved and there is a small physicochemical difference between threonine and alanine.

NM_001195.5(BFSP1):c.1468A>G (p.Thr490Ala)

Gene: BFSP1 (beaded filament structural protein 1; minus strand). Cytogenetic location: 20p12.1.
Variant type: single nucleotide variant.
Coding change: c.1468A>G on transcript NM_001195.5 (MANE Select); coding-DNA position 1468, A replaced by G.
Protein change: p.Thr490Ala; replaces threonine 490 with alanine.
Molecular consequence: missense variant.
Genome position (GRCh38, 1-based): chr20:17,494,604, T>C on the plus strand (A>G on the coding strand, the complement: BFSP1 is on the minus strand). VCF-style: chr20-17494604-T-C. GRCh37 (hg19) VCF-style: chr20-17475249-T-C.
Other names: c.1468A>G (NM_001195.3); c.1093A>G, p.Thr365Ala (NM_001161705.2); c.1051A>G, p.Thr351Ala (NM_001278606.2, NM_001278608.2); c.1135A>G, p.Thr379Ala (NM_001278607.2); short protein forms T351A, T365A, T379A, T490A.
Identifiers: ClinVar variation 1056991 (VCV001056991.10), dbSNP rs756439203, ClinGen allele CA9772054.